The following is an entry in ClinVar:

ClinVar aggregate classification (germline): Likely benign. Review status: criteria provided, multiple submitters, no conflicts (2 of 4 stars). 4 submissions from 4 submitters: Likely benign (3). 1 of the submissions does not count toward it. Last evaluated 2026-01-22.

Conditions:
LRP2-related disorder. Also called: LRP2-related condition.

Allele frequency attached by ClinVar (database versions not stated): TOPMed 0.00005; ExAC 0.00008; gnomAD exomes 0.00008; gnomAD 0.00013.
gnomAD v4.1: 60 of 1,614,032 alleles (0.0037%); highest among the groups gnomAD compares: East Asian, 0.074%; 1 homozygote.

Submissions (4):

Labcorp Genetics (formerly Invitae), Labcorp
Classification: Likely benign. Last evaluated: 2026-01-22. Review status: criteria provided, single submitter. Criteria: Invitae Variant Classification Sherloc (09022015). Collection method: clinical testing. Allele origin: germline.

CeGaT Center for Human Genetics Tuebingen
Classification: Likely benign. Last evaluated: 2024-08-01. Review status: criteria provided, single submitter. Criteria: CeGaT Center For Human Genetics Tuebingen Variant Classification Criteria Version 2. Collection method: clinical testing. Allele origin: germline. Affected: yes. Observed: 1 variant allele.
Comment: LRP2: BP4, BP7

Blueprint Genetics
Classification: Likely benign. Last evaluated: 2022-11-08. Review status: criteria provided, single submitter. Criteria: ACMG Guidelines, 2015. Collection method: clinical testing. Allele origin: germline.

PreventionGenetics, part of Exact Sciences
Classification: Likely benign for LRP2-related condition. Last evaluated: 2019-04-30. Review status: no assertion criteria provided. Collection method: clinical testing. Allele origin: germline. Not counted in ClinVar's aggregate classification.
Comment: This variant is classified as likely benign based on ACMG/AMP sequence variant interpretation guidelines (Richards et al. 2015 PMID: 25741868, with internal and published modifications).

NM_004525.3(LRP2):c.13353C>T (p.Thr4451=)

Gene: LRP2 (LDL receptor related protein 2; minus strand). Cytogenetic location: 2q31.1.
Variant type: single nucleotide variant.
Coding change: c.13353C>T on transcript NM_004525.3 (MANE Select); coding-DNA position 13353, C replaced by T.
Protein change: p.Thr4451=; no amino-acid change (threonine 4451 retained).
Molecular consequence: synonymous variant.
Genome position (GRCh38, 1-based): chr2:169,139,286, G>A on the plus strand (C>T on the coding strand, the complement: LRP2 is on the minus strand). VCF-style: chr2-169139286-G-A. GRCh37 (hg19) VCF-style: chr2-169995796-G-A.
Identifiers: ClinVar variation 797484 (VCV000797484.26), dbSNP rs767379633, ClinGen allele CA1952568.